The following is an entry in ClinVar:

NM_000193.4(SHH):c.980T>C (p.Leu327Pro)

Gene: SHH (sonic hedgehog signaling molecule; minus strand). Cytogenetic location: 7q36.3.
Variant type: single nucleotide variant.
Coding change: c.980T>C on transcript NM_000193.4 (MANE Select); coding-DNA position 980, T replaced by C.
Protein change: p.Leu327Pro; replaces leucine 327 with proline.
Molecular consequence: missense variant. On other transcripts: intron variant (1).
Genome position (GRCh38, 1-based): chr7:155,803,309, A>G on the plus strand (T>C on the coding strand, the complement: SHH is on the minus strand). VCF-style: chr7-155803309-A-G. GRCh37 (hg19) VCF-style: chr7-155596003-A-G.
Other names: c.301+2987T>C (NM_001310462.2); short protein forms L327P.
Identifiers: ClinVar variation 3775155 (VCV003775155.1).
Genomic context (GRCh38, chr7:155,803,309, plus strand): 5'-GGCGCGTAGGCGCCCGCGGCCTCCTCGCTTAGGGTCACGCTGTGCACAGCGGCGGGCAGG[A>G]GCCGGCGGTCCCCGTCACGCTCGGCCACCACGTACACGCGCTGGCCCGGGCGCACGCGGC-3'
Protein context (NP_000184.1, residues 317-337): VVAERDGDRR[Leu327Pro]LPAAVHSVTL

ClinVar aggregate classification (germline): Likely pathogenic (1 of 4 stars; one submission).

Conditions:
Solitary median maxillary central incisor syndrome. Also called: FUSED INCISORS; SINGLE CENTRAL MAXILLARY INCISOR; Solitary median maxillary central incisor; SMMCI SYNDROME; Single Central Incisor Syndrome. Identifiers: MedGen C1840235, MONDO:0007819, OMIM 147250, HP:0006315.

Submission:

Laboratory of Molecular Genetics, CHU Rennes
Classification: Likely pathogenic for Solitary median maxillary central incisor syndrome. Last evaluated: 2025-02-27. Review status: criteria provided, single submitter. Criteria: ACMG Guidelines, 2015. Collection method: clinical testing. Allele origin: unknown. Inheritance: Autosomal dominant inheritance. Affected: yes.
Comment: The NM_000193.4:c.980T>C, is a missense variant in SHH in the Hint domain (PM1), absent from controls (PM2), predicted pathogenic by prediction tools (PP3). In summary, this variant meets criteria to be classified as likely pathogenic for holoprosencephaly based on the ACMG criteria applied (PM1, PM2, PP3, PP4).